The following is an entry in ClinVar:

ClinVar aggregate classification (germline): Uncertain significance. Review status: criteria provided, multiple submitters, no conflicts (2 of 4 stars). 4 submissions from 4 submitters: Uncertain significance (3). 1 of the submissions does not count toward it. Last evaluated 2025-11-24.

Conditions:
POLD1-related polyposis and colorectal cancer syndrome (CRCS10). Also called: Colorectal cancer, susceptibility to, 10; Colorectal cancer 10; COLORECTAL CANCER, SUSCEPTIBILITY TO, ON CHROMOSOME 19q. Identifiers: Orphanet 220460, MedGen C2675481, MONDO:0012953, OMIM 612591.
Immunodeficiency 120. Identifiers: MedGen C5935622, MONDO:0970994, OMIM 620836.
Hereditary cancer-predisposing syndrome. Also called: Hereditary neoplastic syndrome; Tumor predisposition; Hereditary Cancer Syndrome; Neoplastic Syndromes, Hereditary. Identifiers: Orphanet 140162, MedGen C0027672, MeSH D009386, MONDO:0015356.

Allele frequency attached by ClinVar (database versions not stated): TOPMed 0.00001; ExAC 0.00004.
gnomAD v4.1: 7 of 1,597,266 alleles (0.00044%); highest among the groups gnomAD compares: South Asian, 0.0011%; no homozygotes.

Submissions (4):

Labcorp Genetics (formerly Invitae), Labcorp
Classification: Uncertain significance for POLD1-related polyposis and colorectal cancer syndrome. Last evaluated: 2025-11-24. Review status: criteria provided, single submitter. Criteria: Invitae Variant Classification Sherloc (09022015). Collection method: clinical testing. Allele origin: germline.
Comment: This sequence change replaces arginine, which is basic and polar, with tryptophan, which is neutral and slightly polar, at codon 1074 of the POLD1 protein (p.Arg1074Trp). The frequency data for this variant in the population databases is considered unreliable, as metrics indicate poor data quality at this position in the gnomAD database. This variant has not been reported in the literature in individuals affected with POLD1-related conditions. ClinVar contains an entry for this variant (Variation ID: 653620). An algorithm developed to predict the effect of missense changes on protein structure and function (PolyPhen-2) suggests that this variant is likely to be disruptive. In summary, the available evidence is currently insufficient to determine the role of this variant in disease. Therefore, it has been classified as a Variant of Uncertain Significance.

Ambry Genetics
Classification: Uncertain significance for Hereditary cancer-predisposing syndrome. Last evaluated: 2024-11-08. Review status: criteria provided, single submitter. Criteria: Ambry Variant Classification Scheme 2023. Collection method: clinical testing. Allele origin: germline.
Comment: The p.R1074W variant (also known as c.3220C>T), located in coding exon 26 of the POLD1 gene, results from a C to T substitution at nucleotide position 3220. The arginine at codon 1074 is replaced by tryptophan, an amino acid with dissimilar properties. This amino acid position is well conserved in available vertebrate species. In addition, the in silico prediction for this alteration is inconclusive. Based on the available evidence, the clinical significance of this variant remains unclear.

GeneDx
Classification: Uncertain significance. Last evaluated: 2019-09-13. Review status: criteria provided, single submitter. Criteria: GeneDx Variant Classification Process June 2021. Collection method: clinical testing. Allele origin: germline. Affected: yes.
Comment: Not observed at a significant frequency in large population cohorts (Lek 2016); In silico analysis, which includes protein predictors and evolutionary conservation, supports a deleterious effect; Observed in the compound heterozygous state in an individual with multiple congenital and immune anomalies whose heterozygous parent is reported to be cancer free (Conde 2019); Published functional studies are inconclusive: reduced polymerase activity without assessment of exonuclease activity (Conde 2019); This variant is associated with the following publications: (PMID: 31449058)

OMIM
Classification: Pathogenic for IMMUNODEFICIENCY 120. Last evaluated: 2024-05-30. Review status: no assertion criteria provided. Collection method: literature only. Allele origin: germline. Not counted in ClinVar's aggregate classification.

Literature cited by the submitters: PubMed 31449058 (cited by OMIM).

NM_002691.4(POLD1):c.3220C>T (p.Arg1074Trp)

Gene: POLD1 (DNA polymerase delta 1, catalytic subunit; plus strand). Cytogenetic location: 19q13.33.
Variant type: single nucleotide variant.
Coding change: c.3220C>T on transcript NM_002691.4 (MANE Select); coding-DNA position 3220, C replaced by T.
Protein change: p.Arg1074Trp; replaces arginine 1074 with tryptophan.
Molecular consequence: missense variant. On other transcripts: non-coding transcript variant (1).
Genome position (GRCh38, 1-based): chr19:50,417,843, C>T. VCF-style: chr19-50417843-C-T. GRCh37 (hg19) VCF-style: chr19-50921100-C-T.
Other names: c.3220C>T, p.Arg1074Trp (NM_001256849.1); c.3298C>T, p.Arg1100Trp (NM_001308632.1); c.3220C>T (NM_002691.2); short protein forms R1100W, R1074W.
Identifiers: ClinVar variation 653620 (VCV000653620.14), dbSNP rs778190445, ClinGen allele CA9596824.